The following is an entry in ClinVar:

NM_000121.4(EPOR):c.684C>G (p.Ser228Arg)

Gene: EPOR (erythropoietin receptor; minus strand). Cytogenetic location: 19p13.2.
Variant type: single nucleotide variant.
Coding change: c.684C>G on transcript NM_000121.4 (MANE Select); coding-DNA position 684, C replaced by G.
Protein change: p.Ser228Arg; replaces serine 228 with arginine.
Molecular consequence: missense variant. On other transcripts: non-coding transcript variant (1).
Genome position (GRCh38, 1-based): chr19:11,381,111, G>C on the plus strand (C>G on the coding strand, the complement: EPOR is on the minus strand). VCF-style: chr19-11381111-G-C. GRCh37 (hg19) VCF-style: chr19-11491787-G-C.
Other names: short protein forms S228R.
Identifiers: ClinVar variation 4993246 (VCV004993246.1).
Genomic context (GRCh38, chr19:11,381,111, plus strand): 5'-CTCACCGCTAGGCGTCAGCAGCGACACAGGCTCCGACCAGGCGCTCCAGAAGCCGCCGAA[G>C]CTCGGCTCAGCCATACGCGCGCGGACGGCGAAGGTGTAGCGCGTCCGGCCCCGCAGGTTG-3'
Protein context (NP_000112.1, residues 218-238): FAVRARMAEP[Ser228Arg]FGGFWSAWSE

ClinVar aggregate classification (germline): Uncertain significance (1 of 4 stars; one submission).

Conditions:
EPOR-related disorder. Also called: EPOR-related condition.

Submission:

PreventionGenetics, part of Exact Sciences
Classification: Uncertain significance for EPOR-related condition. Last evaluated: 2026-02-01. Review status: criteria provided, single submitter. Criteria: ACMG Guidelines, 2015. Collection method: clinical testing. Allele origin: germline.
Comment: The EPOR c.684C>G variant is predicted to result in the amino acid substitution p.Ser228Arg. To our knowledge, this variant has not been reported in the literature or in a large population database (gnomAD), indicating this variant is rare. At this time, the clinical significance of this variant is uncertain due to the absence of conclusive functional and genetic evidence.